The following is an entry in ClinVar:

ClinVar aggregate classification (germline): Uncertain significance. Review status: criteria provided, multiple submitters, no conflicts (2 of 4 stars). 3 submissions from 3 submitters: Uncertain significance (3). Last evaluated 2024-03-27.

Conditions:
Pseudohypoaldosteronism type 2D (PHA2D). Also called: FAMILIAL HYPERKALEMIC HYPERTENSION; PSEUDOHYPOALDOSTERONISM, TYPE IID, AUTOSOMAL DOMINANT OR RECESSIVE; Pseudohypoaldosteronism Type IID. Identifiers: Orphanet 300525, Orphanet 757, MedGen C3469605, MONDO:0013781, OMIM 614495.

Submissions (3):

Fulgent Genetics
Classification: Uncertain significance for Pseudohypoaldosteronism type 2D. Last evaluated: 2024-03-27. Review status: criteria provided, single submitter. Criteria: ACMG Guidelines, 2015. Collection method: clinical testing. Allele origin: germline.

Labcorp Genetics (formerly Invitae), Labcorp
Classification: Uncertain significance. Last evaluated: 2022-06-20. Review status: criteria provided, single submitter. Criteria: Invitae Variant Classification Sherloc (09022015). Collection method: clinical testing. Allele origin: germline.
Comment: This sequence change replaces arginine, which is basic and polar, with tryptophan, which is neutral and slightly polar, at codon 136 of the KLHL3 protein (p.Arg136Trp). This variant is not present in population databases (gnomAD no frequency). This variant has not been reported in the literature in individuals affected with KLHL3-related conditions. ClinVar contains an entry for this variant (Variation ID: 906115). Algorithms developed to predict the effect of missense changes on protein structure and function (SIFT, PolyPhen-2, Align-GVGD) all suggest that this variant is likely to be disruptive. In summary, the available evidence is currently insufficient to determine the role of this variant in disease. Therefore, it has been classified as a Variant of Uncertain Significance.

Illumina Laboratory Services, Illumina
Classification: Uncertain significance for Pseudohypoaldosteronism type 2D. Last evaluated: 2018-01-12. Review status: criteria provided, single submitter. Criteria: ICSL Variant Classification Criteria 13 December 2019. Collection method: clinical testing. Allele origin: germline.

NM_017415.3(KLHL3):c.406C>T (p.Arg136Trp)

Gene: KLHL3 (kelch like family member 3; minus strand). Cytogenetic location: 5q31.2.
Variant type: single nucleotide variant.
Coding change: c.406C>T on transcript NM_017415.3 (MANE Select); coding-DNA position 406, C replaced by T.
Protein change: p.Arg136Trp; replaces arginine 136 with tryptophan.
Molecular consequence: missense variant.
Genome position (GRCh38, 1-based): chr5:137,692,405, G>A on the plus strand (C>T on the coding strand, the complement: KLHL3 is on the minus strand). VCF-style: chr5-137692405-G-A. GRCh37 (hg19) VCF-style: chr5-137028094-G-A.
Other names: c.310C>T, p.Arg104Trp (NM_001257194.1); c.160C>T, p.Arg54Trp (NM_001257195.2); short protein forms R54W, R136W, R104W.
Identifiers: ClinVar variation 906115 (VCV000906115.10), dbSNP rs1752345984, ClinGen allele CA361052059.
Genomic context (GRCh38, chr5:137,692,405, plus strand): 5'-GGATGCCCAGGCAATTGGTGGGATGCAACTGAGACTGCAGGAAGTCACAGCAGTTCTGCC[G>A]AACATCCATGAGCTGCAGCAAGCTGGCTGCCGGGAGCAGCACCTGCAAGAGAAGGTGACA-3'
Protein context (NP_059111.2, residues 126-146): AASLLQLMDV[Arg136Trp]QNCCDFLQSQ